The following is an entry in ClinVar:

ClinVar aggregate classification (germline): Uncertain significance (1 of 4 stars; one submission).

Conditions:
Hajdu-Cheney syndrome (HJCYS). Also called: SERPENTINE FIBULA-POLYCYSTIC KIDNEY SYNDROME; Acroosteolysis dominant type; ACROOSTEOLYSIS WITH OSTEOPOROSIS AND CHANGES IN SKULL AND MANDIBLE. Identifiers: Orphanet 955, MedGen C0917715, MONDO:0007057, OMIM 102500.

Submission:

Labcorp Genetics (formerly Invitae), Labcorp
Classification: Uncertain significance for Hajdu-Cheney syndrome. Last evaluated: 2023-09-09. Review status: criteria provided, single submitter. Criteria: Invitae Variant Classification Sherloc (09022015). Collection method: clinical testing. Allele origin: germline.
Comment: In summary, the available evidence is currently insufficient to determine the role of this variant in disease. Therefore, it has been classified as a Variant of Uncertain Significance. Advanced modeling of protein sequence and biophysical properties (such as structural, functional, and spatial information, amino acid conservation, physicochemical variation, residue mobility, and thermodynamic stability) performed at Invitae indicates that this missense variant is expected to disrupt NOTCH2 protein function. This variant has not been reported in the literature in individuals affected with NOTCH2-related conditions. This variant is not present in population databases (gnomAD no frequency). This sequence change replaces cysteine, which is neutral and slightly polar, with arginine, which is basic and polar, at codon 593 of the NOTCH2 protein (p.Cys593Arg).

NM_024408.4(NOTCH2):c.1777T>C (p.Cys593Arg)

Gene: NOTCH2 (notch receptor 2; minus strand). Cytogenetic location: 1p12.
Variant type: single nucleotide variant.
Coding change: c.1777T>C on transcript NM_024408.4 (MANE Select); coding-DNA position 1777, T replaced by C.
Protein change: p.Cys593Arg; replaces cysteine 593 with arginine.
Molecular consequence: missense variant.
Genome position (GRCh38, 1-based): chr1:119,963,712, A>G on the plus strand (T>C on the coding strand, the complement: NOTCH2 is on the minus strand). VCF-style: chr1-119963712-A-G. GRCh37 (hg19) VCF-style: chr1-120506335-A-G.
Other names: c.1777T>C, p.Cys593Arg (NM_001200001.2); short protein forms C593R.
Identifiers: ClinVar variation 2705879 (VCV002705879.3), dbSNP rs2101137093, ClinGen allele CA341873570.